The following is an entry in ClinVar:

NM_000539.3(RHO):c.467G>T (p.Gly156Val)

Gene: RHO (rhodopsin; plus strand). Cytogenetic location: 3q22.1.
Variant type: single nucleotide variant.
Coding change: c.467G>T on transcript NM_000539.3 (MANE Select); coding-DNA position 467, G replaced by T.
Protein change: p.Gly156Val; replaces glycine 156 with valine.
Molecular consequence: missense variant.
Genome position (GRCh38, 1-based): chr3:129,530,981, G>T. VCF-style: chr3-129530981-G-T. GRCh37 (hg19) VCF-style: chr3-129249824-G-T.
Other names: short protein forms G156V.
Identifiers: ClinVar variation 1373471 (VCV001373471.6), dbSNP rs557301477, ClinGen allele CA2607164.

ClinVar aggregate classification (germline): Uncertain significance (1 of 4 stars; one submission).

Allele frequency attached by ClinVar (database versions not stated): gnomAD exomes below 0.00001.
gnomAD v4.1: 1 of 1,614,258 alleles (0.000062%); highest among the groups gnomAD compares: Non-Finnish European, 0.000085%; no homozygotes.

Submission:

Labcorp Genetics (formerly Invitae), Labcorp
Classification: Uncertain significance. Last evaluated: 2024-07-27. Review status: criteria provided, single submitter. Criteria: Invitae Variant Classification Sherloc (09022015). Collection method: clinical testing. Allele origin: germline.
Comment: This sequence change replaces glycine, which is neutral and non-polar, with valine, which is neutral and non-polar, at codon 156 of the RHO protein (p.Gly156Val). This variant is present in population databases (rs557301477, gnomAD 0.003%). This variant has not been reported in the literature in individuals affected with RHO-related conditions. ClinVar contains an entry for this variant (Variation ID: 1373471). Advanced modeling of protein sequence and biophysical properties (such as structural, functional, and spatial information, amino acid conservation, physicochemical variation, residue mobility, and thermodynamic stability) performed at Invitae indicates that this missense variant is not expected to disrupt RHO protein function with a negative predictive value of 80%. In summary, the available evidence is currently insufficient to determine the role of this variant in disease. Therefore, it has been classified as a Variant of Uncertain Significance.